The following is an entry in ClinVar:

NM_022132.5(MCCC2):c.1373+18C>T

Gene: MCCC2 (methylcrotonyl-CoA carboxylase subunit 2; plus strand). Cytogenetic location: 5q13.2.
Variant type: single nucleotide variant.
Coding change: c.1373+18C>T on transcript NM_022132.5 (MANE Select); 18 bases into the intron after coding-DNA position 1373, C replaced by T.
Molecular consequence: intron variant.
Genome position (GRCh38, 1-based): chr5:71,649,271, C>T. VCF-style: chr5-71649271-C-T. GRCh37 (hg19) VCF-style: chr5-70945098-C-T.
Other names: c.1259+18C>T (NM_001363147.1).
Identifiers: ClinVar variation 515893 (VCV000515893.6), dbSNP rs200716557, ClinGen allele CA3298117.

ClinVar aggregate classification (germline): Benign/Likely benign. Review status: criteria provided, multiple submitters, no conflicts (2 of 4 stars). 2 submissions from 2 submitters: Benign (1); Likely benign (1). Last evaluated 2026-01-29.

Conditions:
3-methylcrotonyl-CoA carboxylase 2 deficiency. Also called: METHYLCROTONYLGLYCINURIA, TYPE II; 3 alpha methylcrotonyl-CoA carboxylase 2 deficiency; 3 alpha methylcrotonylglycinuria 2; MCC 2 deficiency; Methylcrotonylglycinuria type 2. Identifiers: Orphanet 6, MedGen C1859499, MONDO:0008862, OMIM 210210.

Allele frequency attached by ClinVar (database versions not stated): gnomAD 0.00002 and 0.00030; TOPMed 0.00002; gnomAD exomes 0.00035 and 0.00068; ExAC 0.00082; 1000 Genomes Project 30x 0.00187; 1000 Genomes Project 0.00200.
gnomAD v4.1: 555 of 1,610,300 alleles (0.034%); highest among the groups gnomAD compares: South Asian, 0.58%; 6 homozygotes.

Submissions (2):

Labcorp Genetics (formerly Invitae), Labcorp
Classification: Benign for 3-methylcrotonyl-CoA carboxylase 2 deficiency. Last evaluated: 2026-01-29. Review status: criteria provided, single submitter. Criteria: Invitae Variant Classification Sherloc (09022015). Collection method: clinical testing. Allele origin: germline.

GeneDx
Classification: Likely benign. Last evaluated: 2018-03-09. Review status: criteria provided, single submitter. Criteria: GeneDx Variant Classification (06012015). Collection method: clinical testing. Allele origin: germline. Affected: yes.
Comment: This variant is considered likely benign or benign based on one or more of the following criteria: it is a conservative change, it occurs at a poorly conserved position in the protein, it is predicted to be benign by multiple in silico algorithms, and/or has population frequency not consistent with disease.